The following is an entry in ClinVar:

NM_017849.4(TMEM127):c.136A>G (p.Thr46Ala)

Gene: TMEM127 (transmembrane protein 127; minus strand). Cytogenetic location: 2q11.2.
Variant type: single nucleotide variant.
Coding change: c.136A>G on transcript NM_017849.4 (MANE Select); coding-DNA position 136, A replaced by G.
Protein change: p.Thr46Ala; replaces threonine 46 with alanine.
Molecular consequence: missense variant.
Genome position (GRCh38, 1-based): chr2:96,265,246, T>C on the plus strand (A>G on the coding strand, the complement: TMEM127 is on the minus strand). VCF-style: chr2-96265246-T-C. GRCh37 (hg19) VCF-style: chr2-96930984-T-C.
Other names: c.136A>G, p.Thr46Ala (NM_001193304.3); short protein forms T46A.
Identifiers: ClinVar variation 463838 (VCV000463838.37), dbSNP rs144659242, ClinGen allele CA1777392.

ClinVar aggregate classification (germline): Conflicting classifications of pathogenicity. Review status: criteria provided, conflicting classifications (1 of 4 stars). 7 submissions from 7 submitters: Uncertain significance (5); Likely benign (2). Last evaluated 2026-05-05.

Conditions:
TMEM127-related disorder. Also called: TMEM127-related condition.
Hereditary cancer-predisposing syndrome. Also called: Hereditary neoplastic syndrome; Neoplastic Syndromes, Hereditary; Hereditary Cancer Syndrome; Tumor predisposition. Identifiers: Orphanet 140162, MedGen C0027672, MeSH D009386, MONDO:0015356.
Hereditary pheochromocytoma and paraganglioma. Also called: Hereditary Paraganglioma-Pheochromocytoma Syndromes; Hereditary paragangliomas and pheochromocytomas; Hereditary pheochromocytoma-paraganglioma. Identifiers: Orphanet 29072, MedGen C4274332, MONDO:0017366.
Pheochromocytoma. Also called: MAX-Related Hereditary Paraganglioma-Pheochromocytoma Syndrome. Identifiers: Orphanet 29072, MedGen C0031511, MONDO:0008233, OMIM 171300, HP:0002666.

Allele frequency attached by ClinVar (database versions not stated): gnomAD exomes 0.00005; ExAC 0.00013; TOPMed 0.00015; gnomAD 0.00018 and 0.00019; ESP Exome Variant Server 0.00023; 1000 Genomes Project 30x 0.00047; 1000 Genomes Project 0.00060.
gnomAD v4.1: 50 of 1,595,470 alleles (0.0031%); highest among the groups gnomAD compares: African/African-American, 0.064%; no homozygotes.

Submissions (7):

PreventionGenetics, part of Exact Sciences
Classification: Uncertain significance for TMEM127-related condition. Last evaluated: 2026-05-05. Review status: criteria provided, single submitter. Criteria: ACMG Guidelines, 2015. Collection method: clinical testing. Allele origin: germline.
Comment: The TMEM127 c.136A>G variant is predicted to result in the amino acid substitution p.Thr46Ala. To our knowledge, this variant has not been reported in the literature. This variant is reported in 0.085% of alleles in individuals of African descent in gnomAD and has conflicting interpretations ranging from uncertain significance to likely benign (Variation ID: 463838). Although we suspect that this variant may be benign, the clinical significance of this variant is classified as uncertain at this time due to insufficient functional and genetic evidence.

Labcorp Genetics (formerly Invitae), Labcorp
Classification: Likely benign for Hereditary pheochromocytoma and paraganglioma. Last evaluated: 2026-01-25. Review status: criteria provided, single submitter. Criteria: Invitae Variant Classification Sherloc (09022015). Collection method: clinical testing. Allele origin: germline.

Quest Diagnostics Nichols Institute San Juan Capistrano
Classification: Likely benign. Last evaluated: 2025-06-25. Review status: criteria provided, single submitter. Criteria: Quest Diagnostics criteria. Collection method: clinical testing. Allele origin: unknown.

Ambry Genetics
Classification: Uncertain significance for Hereditary cancer-predisposing syndrome. Last evaluated: 2025-06-01. Review status: criteria provided, single submitter. Criteria: Ambry Variant Classification Scheme 2023. Collection method: clinical testing. Allele origin: germline.
Comment: The p.T46A variant (also known as c.136A>G), located in coding exon 1 of the TMEM127 gene, results from an A to G substitution at nucleotide position 136. The threonine at codon 46 is replaced by alanine, an amino acid with similar properties. This amino acid position is highly conserved in available vertebrate species. In addition, the in silico prediction for this alteration is inconclusive. Since supporting evidence is limited at this time, the clinical significance of this alteration remains unclear.

GeneDx
Classification: Uncertain significance. Last evaluated: 2024-11-22. Review status: criteria provided, single submitter. Criteria: GeneDx Variant Classification Process June 2021. Collection method: clinical testing. Allele origin: germline.
Comment: In silico analysis indicates that this missense variant does not alter protein structure/function; Has not been previously published as pathogenic or benign to our knowledge

CeGaT Center for Human Genetics Tuebingen
Classification: Uncertain significance. Last evaluated: 2024-11-01. Review status: criteria provided, single submitter. Criteria: CeGaT Center For Human Genetics Tuebingen Variant Classification Criteria Version 2. Collection method: clinical testing. Allele origin: germline. Affected: yes. Observed: 1 variant allele.

Baylor Genetics
Classification: Uncertain significance for Pheochromocytoma. Last evaluated: 2024-03-21. Review status: criteria provided, single submitter. Criteria: ACMG Guidelines, 2015. Collection method: clinical testing. Allele origin: unknown.